The following is an entry in ClinVar:

ClinVar aggregate classification (germline): Pathogenic/Likely pathogenic. Review status: criteria provided, multiple submitters, no conflicts (2 of 4 stars). 2 submissions from 2 submitters: Pathogenic (1); Likely pathogenic (1). Last evaluated 2024-06-24.

Conditions:
Multiple acyl-CoA dehydrogenase deficiency (MADD). Also called: Glutaric aciduria, type 2; Glutaric Acidemia type 2; ETHYLMALONIC-ADIPICACIDURIA; GA II; Glutaric acidemia type II; GA 2. Identifiers: Orphanet 26791, MedGen C0268596, MONDO:0009282, OMIM 231680.

Allele frequency attached by ClinVar (database versions not stated): gnomAD exomes below 0.00001.

Submissions (2):

Fulgent Genetics
Classification: Likely pathogenic for Multiple acyl-CoA dehydrogenase deficiency. Last evaluated: 2024-06-24. Review status: criteria provided, single submitter. Criteria: ACMG Guidelines, 2015. Collection method: clinical testing. Allele origin: germline.

Labcorp Genetics (formerly Invitae), Labcorp
Classification: Pathogenic for Multiple acyl-CoA dehydrogenase deficiency. Last evaluated: 2023-08-28. Review status: criteria provided, single submitter. Criteria: Invitae Variant Classification Sherloc (09022015). Collection method: clinical testing. Allele origin: germline.
Comment: ClinVar contains an entry for this variant (Variation ID: 648977). This sequence change creates a premature translational stop signal (p.Arg209Aspfs*4) in the ETFA gene. It is expected to result in an absent or disrupted protein product. Loss-of-function variants in ETFA are known to be pathogenic (PMID: 16510302, 23785301). This variant is not present in population databases (gnomAD no frequency). This variant has not been reported in the literature in individuals affected with ETFA-related conditions. For these reasons, this variant has been classified as Pathogenic.

Literature cited by the submitters: PubMed 16510302 (cited by Labcorp Genetics (formerly Invitae), Labcorp); PubMed 23785301 (cited by Labcorp Genetics (formerly Invitae), Labcorp).

NM_000126.4(ETFA):c.624del (p.Arg209fs)

Gene: ETFA (electron transfer flavoprotein subunit alpha; minus strand). Cytogenetic location: 15q24.2.
Variant type: Deletion.
Coding change: c.624del on transcript NM_000126.4 (MANE Select); coding-DNA position 624, one base deleted (T; older notation c.624delT).
Protein change: p.Arg209fs; shifts the reading frame from arginine 209.
Molecular consequence: frameshift variant.
Genome position (GRCh38, 1-based): chr15:76,285,677, A deleted on the plus strand (T on the coding strand, the reverse complement: ETFA is on the minus strand). VCF-style (leftmost placement, unchanged base first): chr15-76285676-GA-G. GRCh37 (hg19) VCF-style: chr15-76578017-GA-G.
Other names: c.477del, p.Arg160fs (NM_001127716.2); short protein forms R209fs, R160fs.
Identifiers: ClinVar variation 648977 (VCV000648977.8), dbSNP rs1596218695, ClinGen allele CA915946084.